The following is an entry in ClinVar:

ClinVar aggregate classification (germline): Uncertain significance (1 of 4 stars; one submission).

Submission:

GeneDx
Classification: Uncertain significance. Last evaluated: 2025-11-09. Review status: criteria provided, single submitter. Criteria: GeneDx Variant Classification Process June 2021. Collection method: clinical testing. Allele origin: germline. Affected: yes.
Comment: Not observed at significant frequency in large population cohorts (gnomAD); In silico analysis supports that this missense variant has a deleterious effect on protein structure/function; Has not been previously published as pathogenic or benign to our knowledge

NM_001190274.2(FBXO11):c.1760A>T (p.Asn587Ile)

Gene: FBXO11 (F-box protein 11; minus strand). Cytogenetic location: 2p16.3.
Variant type: single nucleotide variant.
Coding change: c.1760A>T on transcript NM_001190274.2 (MANE Select); coding-DNA position 1760, A replaced by T.
Protein change: p.Asn587Ile; replaces asparagine 587 with isoleucine.
Molecular consequence: missense variant.
Genome position (GRCh38, 1-based): chr2:47,820,399, T>A on the plus strand (A>T on the coding strand, the complement: FBXO11 is on the minus strand). VCF-style: chr2-47820399-T-A. GRCh37 (hg19) VCF-style: chr2-48047538-T-A.
Other names: c.1508A>T, p.Asn503Ile (NM_001374325.1, NM_025133.4); short protein forms N503I, N587I.
Identifiers: ClinVar variation 3383560 (VCV003383560.2).
Genomic context (GRCh38, chr2:47,820,399, plus strand): 5'-GGGAACTATATACATTAACTTACCACATAAATCCCACCATGCTGGCCATCATGAATTTTG[T>A]TATGCCGAACAATTGGACAACTGTTTGTCCTAATTTGAATTCCTGCTAATGCATTGCCTA-3'
Protein context (NP_001177203.1, residues 577-597): RTNSCPIVRH[Asn587Ile]KIHDGQHGGI